The following is an entry in ClinVar:

ClinVar aggregate classification (germline): Uncertain significance. Review status: criteria provided, multiple submitters, no conflicts (2 of 4 stars). 3 submissions from 3 submitters: Uncertain significance (3). Last evaluated 2026-04-10.

Conditions:
Ehlers-Danlos syndrome, spondylodysplastic type, 3. Also called: Ehlers-Danlos syndrome, spondylocheirodysplastic type. Identifiers: Orphanet 157965, MedGen C2676510, MONDO:0012873, OMIM 612350.
Inborn genetic diseases. Identifiers: MedGen C0950123, MeSH D030342.

Allele frequency attached by ClinVar (database versions not stated): gnomAD exomes below 0.00001; gnomAD 0.00001; TOPMed 0.00001.

Submissions (3):

Women's Health and Genetics/Laboratory Corporation of America, LabCorp
Classification: Uncertain significance. Last evaluated: 2026-04-10. Review status: criteria provided, single submitter. Criteria: LabCorp Variant Classification Summary - May 2015. Collection method: clinical testing. Allele origin: germline.
Comment: Variant summary: SLC39A13 c.487C>G (p.Leu163Val) results in a conservative amino acid change in the encoded protein sequence. Algorithms developed to predict the effect of missense changes on protein structure and function are either unavailable or do not agree on the potential impact of this missense change. The variant was absent in 251258 control chromosomes. The available data on variant occurrences in the general population are insufficient to allow any conclusion about variant significance. To our knowledge, no occurrence of c.487C>G in individuals affected with SLC39A13-related conditions and no experimental evidence demonstrating its impact on protein function have been reported. ClinVar contains an entry for this variant (Variation ID: 950842). Based on the evidence outlined above, the variant was classified as uncertain significance.

Ambry Genetics
Classification: Uncertain significance for Inborn genetic diseases. Last evaluated: 2025-01-27. Review status: criteria provided, single submitter. Criteria: Ambry Variant Classification Scheme 2023. Collection method: clinical testing. Allele origin: germline.

Labcorp Genetics (formerly Invitae), Labcorp
Classification: Uncertain significance for Ehlers-Danlos syndrome, spondylodysplastic type, 3. Last evaluated: 2021-08-24. Review status: criteria provided, single submitter. Criteria: Invitae Variant Classification Sherloc (09022015). Collection method: clinical testing. Allele origin: germline.
Comment: This sequence change replaces leucine with valine at codon 163 of the SLC39A13 protein (p.Leu163Val). The leucine residue is highly conserved and there is a small physicochemical difference between leucine and valine. This variant is not present in population databases (ExAC no frequency). This variant has not been reported in the literature in individuals affected with SLC39A13-related conditions. Algorithms developed to predict the effect of missense changes on protein structure and function are either unavailable or do not agree on the potential impact of this missense change (SIFT: "Tolerated"; PolyPhen-2: "Possibly Damaging"; Align-GVGD: "Class C0"). In summary, the available evidence is currently insufficient to determine the role of this variant in disease. Therefore, it has been classified as a Variant of Uncertain Significance.

NM_001128225.3(SLC39A13):c.487C>G (p.Leu163Val)

Gene: SLC39A13 (solute carrier family 39 member 13; plus strand). Cytogenetic location: 11p11.2.
Variant type: single nucleotide variant.
Coding change: c.487C>G on transcript NM_001128225.3 (MANE Select); coding-DNA position 487, C replaced by G.
Protein change: p.Leu163Val; replaces leucine 163 with valine.
Molecular consequence: missense variant. On other transcripts: non-coding transcript variant (1).
Genome position (GRCh38, 1-based): chr11:47,412,417, C>G. VCF-style: chr11-47412417-C-G. GRCh37 (hg19) VCF-style: chr11-47433968-C-G.
Other names: c.487C>G, p.Leu163Val (NM_001330245.2, NM_152264.5); short protein forms L163V.
Identifiers: ClinVar variation 950842 (VCV000950842.9), dbSNP rs2096004287, ClinGen allele CA380311644.